The following is an entry in ClinVar:

ClinVar aggregate classification (germline): Uncertain significance. Review status: criteria provided, multiple submitters, no conflicts (2 of 4 stars). 2 submissions from 2 submitters: Uncertain significance (2). Last evaluated 2025-07-08.

Conditions:
Hypertrophic cardiomyopathy. Also called: HYPERTROPHIC MYOCARDIOPATHY. Identifiers: Orphanet 217569, MedGen C0007194, MeSH D002312, MONDO:0005045, HP:0001639.
Cardiovascular phenotype. Identifiers: MedGen CN230736.

Submissions (2):

Labcorp Genetics (formerly Invitae), Labcorp
Classification: Uncertain significance for Hypertrophic cardiomyopathy. Last evaluated: 2025-07-08. Review status: criteria provided, single submitter. Criteria: Invitae Variant Classification Sherloc (09022015). Collection method: clinical testing. Allele origin: germline.
Comment: This sequence change replaces lysine, which is basic and polar, with glutamic acid, which is acidic and polar, at codon 503 of the JPH2 protein (p.Lys503Glu). This variant is not present in population databases (gnomAD no frequency). This variant has not been reported in the literature in individuals affected with JPH2-related conditions. ClinVar contains an entry for this variant (Variation ID: 3725644). An algorithm developed to predict the effect of missense changes on protein structure and function (PolyPhen-2) suggests that this variant is likely to be tolerated. In summary, the available evidence is currently insufficient to determine the role of this variant in disease. Therefore, it has been classified as a Variant of Uncertain Significance.

Ambry Genetics
Classification: Uncertain significance for Cardiovascular phenotype. Last evaluated: 2025-06-18. Review status: criteria provided, single submitter. Criteria: Ambry Variant Classification Scheme 2023. Collection method: clinical testing. Allele origin: germline.

NM_020433.5(JPH2):c.1507A>G (p.Lys503Glu)

Gene: JPH2 (junctophilin 2; minus strand). Cytogenetic location: 20q13.12.
Variant type: single nucleotide variant.
Coding change: c.1507A>G on transcript NM_020433.5 (MANE Select); coding-DNA position 1507, A replaced by G.
Protein change: p.Lys503Glu; replaces lysine 503 with glutamic acid.
Molecular consequence: missense variant.
Genome position (GRCh38, 1-based): chr20:44,116,168, T>C on the plus strand (A>G on the coding strand, the complement: JPH2 is on the minus strand). VCF-style: chr20-44116168-T-C. GRCh37 (hg19) VCF-style: chr20-42744808-T-C.
Other names: short protein forms K503E.
Identifiers: ClinVar variation 3725644 (VCV003725644.3).